The following is an entry in ClinVar:

ClinVar aggregate classification (germline): Uncertain significance (1 of 4 stars; one submission).

gnomAD v4.1: 5 of 1,613,378 alleles (0.00031%); highest among the groups gnomAD compares: Non-Finnish European, 0.00042%; no homozygotes.

Submission:

Labcorp Genetics (formerly Invitae), Labcorp
Classification: Uncertain significance. Last evaluated: 2025-04-23. Review status: criteria provided, single submitter. Criteria: Invitae Variant Classification Sherloc (09022015). Collection method: clinical testing. Allele origin: germline.
Comment: This sequence change affects an acceptor splice site in intron 4 of the NLRP1 gene. It is expected to disrupt RNA splicing. Variants that disrupt the donor or acceptor splice site typically lead to a loss of protein function (PMID: 16199547), however the current clinical and genetic evidence is not sufficient to establish whether loss-of-function variants in NLRP1 cause disease. This variant is present in population databases (no rsID available, gnomAD 0.002%). This variant has not been reported in the literature in individuals affected with NLRP1-related conditions. Algorithms developed to predict the effect of sequence changes on RNA splicing suggest that this variant may disrupt the consensus splice site. In summary, the available evidence is currently insufficient to determine the role of this variant in disease. Therefore, it has been classified as a Variant of Uncertain Significance.

Literature cited by the submitters: PubMed 16199547.

NM_033004.4(NLRP1):c.2358-1G>C

Gene: NLRP1 (NLR family pyrin domain containing 1; minus strand). Cytogenetic location: 17p13.2.
Variant type: single nucleotide variant.
Coding change: c.2358-1G>C on transcript NM_033004.4 (MANE Select); the canonical splice acceptor site of the intron before coding-DNA position 2358, G replaced by C.
Molecular consequence: splice acceptor variant.
Genome position (GRCh38, 1-based): chr17:5,553,557, C>G on the plus strand (G>C on the coding strand, the complement: NLRP1 is on the minus strand). VCF-style: chr17-5553557-C-G. GRCh37 (hg19) VCF-style: chr17-5456877-C-G.
Other names: c.2358-1G>C (NM_001033053.3, NM_033007.4, NM_033006.4 and 1 more transcripts).
Identifiers: ClinVar variation 4749459 (VCV004749459.1).